The following is an entry in ClinVar:

ClinVar aggregate classification (germline): Likely benign (1 of 4 stars; one submission).

Conditions:
Leukocyte adhesion deficiency 1 (LAD1). Also called: LEUKOCYTE ADHESION DEFICIENCY, TYPE I; LAD 1; Lymphocyte function-associated antigen 1 immunodeficiency; LFA 1 immunodeficiency. Identifiers: Orphanet 2968, Orphanet 99842, MedGen C0398738, MONDO:0007293, OMIM 116920.

Allele frequency attached by ClinVar (database versions not stated): gnomAD 0.00253 and 0.00281; 1000 Genomes Project 30x 0.00281; 1000 Genomes Project 0.00280; TOPMed 0.00297.

Submission:

Illumina Laboratory Services, Illumina
Classification: Likely benign for Leukocyte adhesion deficiency 1. Last evaluated: 2018-01-12. Review status: criteria provided, single submitter. Criteria: ICSL Variant Classification Criteria 13 December 2019. Collection method: clinical testing. Allele origin: germline.
Comment: This variant was observed in the ICSL laboratory as part of a predisposition screen in an ostensibly healthy population. It had not been previously curated by ICSL or reported in the Human Gene Mutation Database (HGMD: prior to June 1st, 2018), and was therefore a candidate for classification through an automated scoring system. Utilizing variant allele frequency, disease prevalence and penetrance estimates, and inheritance mode, an automated score was calculated to assess if this variant is too frequent to cause the disease. Based on the score and internal cut-off values, a variant classified as likely benign is not then subjected to further curation. The score for this variant resulted in a classification of likely benign for this disease.

NM_000211.3(ITGB2):c.-107A>T

Gene: ITGB2 (integrin subunit beta 2; minus strand). Cytogenetic location: 21q22.3.
Variant type: single nucleotide variant.
Coding change: c.-107A>T on transcript NM_000211.3; 107 bases upstream of the start codon, A replaced by T.
Molecular consequence: intron variant (on NM_001127491.3).
Genome position (GRCh38, 1-based): chr21:44,920,924, T>A on the plus strand (A>T on the coding strand, the complement: ITGB2 is on the minus strand). VCF-style: chr21-44920924-T-A. GRCh37 (hg19) VCF-style: chr21-46340839-T-A.
Other names: c.-4+7730A>T (NM_001127491.3).
Identifiers: ClinVar variation 894993 (VCV000894993.6), dbSNP rs572346607, ClinGen allele CA321868461.